The following is an entry in ClinVar:

NM_005477.3(HCN4):c.1371+9G>A

Gene: HCN4 (hyperpolarization activated cyclic nucleotide gated potassium channel 4; minus strand). Cytogenetic location: 15q24.1.
Variant type: single nucleotide variant.
Coding change: c.1371+9G>A on transcript NM_005477.3 (MANE Select); 9 bases into the intron after coding-DNA position 1371, G replaced by A.
Molecular consequence: intron variant.
Genome position (GRCh38, 1-based): chr15:73,332,122, C>T on the plus strand (G>A on the coding strand, the complement: HCN4 is on the minus strand). VCF-style: chr15-73332122-C-T. GRCh37 (hg19) VCF-style: chr15-73624463-C-T.
Identifiers: ClinVar variation 95283 (VCV000095283.16), dbSNP rs200303699, ClinGen allele CA222867.

ClinVar aggregate classification (germline): Conflicting classifications of pathogenicity. Review status: criteria provided, conflicting classifications (1 of 4 stars). 4 submissions from 4 submitters: Uncertain significance (1); Benign (1); Likely benign (2). Last evaluated 2026-02-01.

Conditions:
Brugada syndrome 8 (BRGDA8). Identifiers: Orphanet 130, MedGen C2751083, MONDO:0013148, OMIM 613123.

Allele frequency attached by ClinVar (database versions not stated): gnomAD exomes 0.00012; ExAC 0.00019; 1000 Genomes Project 30x 0.00047; gnomAD 0.00047 and 0.00048; TOPMed 0.00047; 1000 Genomes Project 0.00060; ESP Exome Variant Server 0.00069.

Submissions (4):

Labcorp Genetics (formerly Invitae), Labcorp
Classification: Benign for Brugada syndrome 8. Last evaluated: 2026-02-01. Review status: criteria provided, single submitter. Criteria: Invitae Variant Classification Sherloc (09022015). Collection method: clinical testing. Allele origin: germline.

Blueprint Genetics
Classification: Likely benign. Last evaluated: 2023-05-24. Review status: criteria provided, single submitter. Criteria: ACMG Guidelines, 2015. Collection method: clinical testing. Allele origin: germline.

GeneDx
Classification: Likely benign. Last evaluated: 2016-10-20. Review status: criteria provided, single submitter. Criteria: GeneDx Variant Classification (06012015). Collection method: clinical testing. Allele origin: germline. Affected: yes.
Comment: This variant is considered likely benign or benign based on one or more of the following criteria: it is a conservative change, it occurs at a poorly conserved position in the protein, it is predicted to be benign by multiple in silico algorithms, and/or has population frequency not consistent with disease.

Eurofins Ntd Llc (ga)
Classification: Uncertain significance. Last evaluated: 2013-09-27. Review status: criteria provided, single submitter. Criteria: EGL Classification Definitions 2015. Collection method: clinical testing. Allele origin: germline. Observed: 1 variant allele, 1 heterozygote.